The following is an entry in ClinVar:

NM_015295.3(SMCHD1):c.5095C>G (p.Gln1699Glu)

Gene: SMCHD1 (structural maintenance of chromosomes flexible hinge domain containing 1; plus strand). Cytogenetic location: 18p11.32.
Variant type: single nucleotide variant.
Coding change: c.5095C>G on transcript NM_015295.3 (MANE Select); coding-DNA position 5095, C replaced by G.
Protein change: p.Gln1699Glu; replaces glutamine 1699 with glutamic acid.
Molecular consequence: missense variant.
Genome position (GRCh38, 1-based): chr18:2,772,292, C>G. VCF-style: chr18-2772292-C-G. GRCh37 (hg19) VCF-style: chr18-2772290-C-G.
Other names: short protein forms Q1699E.
Identifiers: ClinVar variation 1901805 (VCV001901805.5), dbSNP rs780458854, ClinGen allele CA8871662.
Genomic context (GRCh38, chr18:2,772,292, plus strand): 5'-TTTCTTTATAAATTATAGGTGCCACACATTGAAGCACTTCTGAAAAGAAAGCTATCAGAA[C>G]AAGAAGAACTGAAGAAAAAACCTAGAAGATCGTGTACTCTTCCAAACTATACTAAAGGCA-3'
Protein context (NP_056110.2, residues 1689-1709): EALLKRKLSE[Gln1699Glu]EELKKKPRRS

ClinVar aggregate classification (germline): Uncertain significance (1 of 4 stars; one submission).

Conditions:
Facioscapulohumeral muscular dystrophy 2 (FSHD2). Also called: FACIOSCAPULOHUMERAL MUSCULAR DYSTROPHY 2, DIGENIC; FSHD2, DIGENIC; MUSCULAR DYSTROPHY, FACIOSCAPULOHUMERAL, TYPE 1B. Identifiers: Orphanet 269, MedGen C1834671, MONDO:0008031, OMIM 158901.

Allele frequency attached by ClinVar (database versions not stated): ExAC 0.00001; gnomAD 0.00001; gnomAD exomes 0.00001; TOPMed 0.00001.
gnomAD v4.1: 9 of 1,606,970 alleles (0.00056%); highest among the groups gnomAD compares: African/African-American, 0.0027%; no homozygotes.

Submission:

Labcorp Genetics (formerly Invitae), Labcorp
Classification: Uncertain significance for Facioscapulohumeral muscular dystrophy 2. Last evaluated: 2022-07-09. Review status: criteria provided, single submitter. Criteria: Invitae Variant Classification Sherloc (09022015). Collection method: clinical testing. Allele origin: germline.
Comment: This sequence change replaces glutamine, which is neutral and polar, with glutamic acid, which is acidic and polar, at codon 1699 of the SMCHD1 protein (p.Gln1699Glu). This variant is present in population databases (rs780458854, gnomAD 0.004%). This variant has not been reported in the literature in individuals affected with SMCHD1-related conditions. Algorithms developed to predict the effect of missense changes on protein structure and function (SIFT, PolyPhen-2, Align-GVGD) all suggest that this variant is likely to be tolerated. In summary, the available evidence is currently insufficient to determine the role of this variant in disease. Therefore, it has been classified as a Variant of Uncertain Significance.